The following is an entry in ClinVar:

NM_000038.6(APC):c.6377G>T (p.Arg2126Ile)

Gene: APC (APC regulator of Wnt signaling pathway; plus strand). Cytogenetic location: 5q22.2.
Variant type: single nucleotide variant.
Coding change: c.6377G>T on transcript NM_000038.6 (MANE Select); coding-DNA position 6377, G replaced by T.
Protein change: p.Arg2126Ile; replaces arginine 2126 with isoleucine.
Molecular consequence: missense variant.
Genome position (GRCh38, 1-based): chr5:112,841,971, G>T. VCF-style: chr5-112841971-G-T. GRCh37 (hg19) VCF-style: chr5-112177668-G-T.
Other names: c.6128G>T, p.Arg2043Ile (NM_001407457.1, NM_001407454.1, NM_001407455.1 and 1 more transcripts); c.6074G>T, p.Arg2025Ile (NM_001407458.1, NM_001407460.1, NM_001407459.1 and 1 more transcripts); c.5990G>T, p.Arg1997Ile (NM_001407467.1, NM_001407469.1); c.5528G>T, p.Arg1843Ile (NM_001407470.1, NM_001354906.2); c.6377G>T, p.Arg2126Ile (NM_001127510.3, NM_001354895.2, NM_001407450.1); c.6323G>T, p.Arg2108Ile (NM_001127511.3); c.6431G>T, p.Arg2144Ile (NM_001354896.2, NM_001407447.1, NM_001407448.1 and 1 more transcripts); c.6407G>T, p.Arg2136Ile (NM_001354897.2); and 11 more; short protein forms R1997I, R2108I, R2154I, R1742I, R1966I, R2025I, R2043I, R2067I.
Identifiers: ClinVar variation 1753141 (VCV001753141.2), dbSNP rs2149963516, ClinGen allele CA16035295.
Genomic context (GRCh38, chr5:112,841,971, plus strand): 5'-AAGGTGCAAATTCCATAGTAAGTAGTTTACATCAAGCTGCTGCTGCTGCATGTTTATCTA[G>T]ACAAGCTTCGTCTGATTCAGATTCCATCCTTTCCCTGAAATCAGGAATCTCTCTGGGATC-3'
Protein context (NP_000029.2, residues 2116-2136): HQAAAAACLS[Arg2126Ile]QASSDSDSIL

ClinVar aggregate classification (germline): Uncertain significance (1 of 4 stars; one submission).

Conditions:
Hereditary cancer-predisposing syndrome. Also called: Neoplastic Syndromes, Hereditary; Tumor predisposition; Hereditary Cancer Syndrome; Hereditary neoplastic syndrome. Identifiers: Orphanet 140162, MedGen C0027672, MeSH D009386, MONDO:0015356.

Submission:

Ambry Genetics
Classification: Uncertain significance for Hereditary cancer-predisposing syndrome. Last evaluated: 2022-01-19. Review status: criteria provided, single submitter. Criteria: Ambry Variant Classification Scheme 2023. Collection method: clinical testing. Allele origin: germline.
Comment: The p.R2126I variant (also known as c.6377G>T), located in coding exon 15 of the APC gene, results from a G to T substitution at nucleotide position 6377. The arginine at codon 2126 is replaced by isoleucine, an amino acid with similar properties. This amino acid position is conserved. In addition, in silico predictors for this gene do not accurately predict pathogenicity. Since supporting evidence is limited at this time, the clinical significance of this alteration remains unclear.